The following is an entry in ClinVar:

ClinVar aggregate classification (germline): Uncertain significance (1 of 4 stars; one submission).

Submission:

Labcorp Genetics (formerly Invitae), Labcorp
Classification: Uncertain significance. Last evaluated: 2024-04-01. Review status: criteria provided, single submitter. Criteria: Invitae Variant Classification Sherloc (09022015). Collection method: clinical testing. Allele origin: germline.
Comment: This sequence change replaces arginine, which is basic and polar, with serine, which is neutral and polar, at codon 128 of the MSH3 protein (p.Arg128Ser). This variant is not present in population databases (gnomAD no frequency). This variant has not been reported in the literature in individuals affected with MSH3-related conditions. An algorithm developed to predict the effect of missense changes on protein structure and function (PolyPhen-2) suggests that this variant is likely to be tolerated. In summary, the available evidence is currently insufficient to determine the role of this variant in disease. Therefore, it has been classified as a Variant of Uncertain Significance.

NM_002439.5(MSH3):c.384G>T (p.Arg128Ser)

Gene: MSH3 (mutS homolog 3; plus strand). Cytogenetic location: 5q14.1.
Variant type: single nucleotide variant.
Coding change: c.384G>T on transcript NM_002439.5 (MANE Select); coding-DNA position 384, G replaced by T.
Protein change: p.Arg128Ser; replaces arginine 128 with serine.
Molecular consequence: missense variant.
Genome position (GRCh38, 1-based): chr5:80,665,168, G>T. VCF-style: chr5-80665168-G-T. GRCh37 (hg19) VCF-style: chr5-79960987-G-T.
Other names: short protein forms R128S.
Identifiers: ClinVar variation 3648283 (VCV003648283.2).
Genomic context (GRCh38, chr5:80,665,168, plus strand): 5'-CTATTGTTCTGTTTTCTTCTTATTTGCTGCCTAAGAGCCAAAGAAATGTCTGAGGACCAG[G>T]AATGTTTCAAAGTCTCTGGAAAAATTGAAAGAATTCTGCTGCGATTCTGCCCTTCCTCAA-3'
Protein context (NP_002430.3, residues 118-138): NSEPKKCLRT[Arg128Ser]NVSKSLEKLK